The following is an entry in ClinVar:

ClinVar aggregate classification (germline): Benign (1 of 4 stars; one submission).

Conditions:
Melanoma-pancreatic cancer syndrome. Identifiers: Orphanet 404560, MedGen C1838547, MONDO:0011713, OMIM 606719. Disease mechanism: loss of function.

Submission:

Myriad Genetics, Inc.
Classification: Benign for Melanoma-pancreatic cancer syndrome. Last evaluated: 2025-08-18. Review status: criteria provided, single submitter. Criteria: Myriad Autosomal Dominant, Autosomal Recessive and X-Linked Classification Criteria (2023). Collection method: clinical testing. Allele origin: unknown.
Comment: This variant is considered benign. This variant is intronic and is not expected to impact mRNA splicing.

NM_000077.5(CDKN2A):c.458-61G>A

Gene: CDKN2A (cyclin dependent kinase inhibitor 2A; minus strand). Cytogenetic location: 9p21.3.
Variant type: single nucleotide variant.
Coding change: c.458-61G>A on transcript NM_000077.5 (MANE Select); 61 bases into the intron before coding-DNA position 458, G replaced by A.
Molecular consequence: intron variant.
Genome position (GRCh38, 1-based): chr9:21,968,303, C>T on the plus strand (G>A on the coding strand, the complement: CDKN2A is on the minus strand). VCF-style: chr9-21968303-C-T. GRCh37 (hg19) VCF-style: chr9-21968302-C-T.
Other names: c.305-61G>A (NM_001363763.2); c.*102-61G>A (NM_058195.4); c.*151-61G>A (NM_001195132.2); c.*381-61G>A (NM_058197.5).
Identifiers: ClinVar variation 4294164 (VCV004294164.1).
Genomic context (GRCh38, chr9:21,968,303, plus strand): 5'-CTGCAGAGGGCAGAAAGAAAACAGGCGTTAGAAACCTGAGGTCAAAGATGTGTGGCACAT[C>T]CCGCCCTCCTCTCTTGCCGTCCCTACCGGCATTGAAATACTTATGGATAAAGTTCTCGCA-3'